The following is an entry in ClinVar:

NM_021098.3(CACNA1H):c.662C>T (p.Thr221Ile)

Gene: CACNA1H (calcium voltage-gated channel subunit alpha1 H; plus strand). Cytogenetic location: 16p13.3.
Variant type: single nucleotide variant.
Coding change: c.662C>T on transcript NM_021098.3 (MANE Select); coding-DNA position 662, C replaced by T.
Protein change: p.Thr221Ile; replaces threonine 221 with isoleucine.
Molecular consequence: missense variant.
Genome position (GRCh38, 1-based): chr16:1,198,633, C>T. VCF-style: chr16-1198633-C-T. GRCh37 (hg19) VCF-style: chr16-1248633-C-T.
Other names: c.662C>T, p.Thr221Ile (NM_001005407.2); short protein forms T221I.
Identifiers: ClinVar variation 1390357 (VCV001390357.6), dbSNP rs1368252007, ClinGen allele CA394154816.
Genomic context (GRCh38, chr16:1,198,633, plus strand): 5'-TGCAGGGCTTAGCAGTGCCAATCCTGGCCCTGCTGCCCACAGGCATGCGGATCCTGGTCA[C>T]TCTGCTGCTGGATACGCTGCCCATGCTCGGGAACGTCCTTCTGCTGTGCTTCTTCGTCTT-3'
Protein context (NP_066921.2, residues 211-231): NRVPSMRILV[Thr221Ile]LLLDTLPMLG

ClinVar aggregate classification (germline): Uncertain significance (1 of 4 stars; one submission).

Conditions:
Hyperaldosteronism, familial, type IV (HALD4). Also called: FH IV; ALDOSTERONISM, PRIMARY, AND HYPERTENSION. Identifiers: Orphanet 642671, MedGen C4310756, MONDO:0014875, OMIM 617027.
Idiopathic generalized epilepsy. Also called: Generalised epilepsy; EIG. Identifiers: MedGen C0270850, MONDO:0005579, OMIM 600669.

Allele frequency attached by ClinVar (database versions not stated): TOPMed 0.00001.
gnomAD v4.1: 7 of 1,613,272 alleles (0.00043%); highest among the groups gnomAD compares: Non-Finnish European, 0.00059%; no homozygotes.

Submission:

Labcorp Genetics (formerly Invitae), Labcorp
Classification: Uncertain significance for Idiopathic generalized epilepsy; Hyperaldosteronism, familial, type IV. Last evaluated: 2024-06-28. Review status: criteria provided, single submitter. Criteria: Invitae Variant Classification Sherloc (09022015). Collection method: clinical testing. Allele origin: germline.
Comment: This sequence change replaces threonine, which is neutral and polar, with isoleucine, which is neutral and non-polar, at codon 221 of the CACNA1H protein (p.Thr221Ile). This variant is not present in population databases (gnomAD no frequency). This variant has not been reported in the literature in individuals affected with CACNA1H-related conditions. ClinVar contains an entry for this variant (Variation ID: 1390357). Advanced modeling of protein sequence and biophysical properties (such as structural, functional, and spatial information, amino acid conservation, physicochemical variation, residue mobility, and thermodynamic stability) performed at Invitae indicates that this missense variant is not expected to disrupt CACNA1H protein function with a negative predictive value of 80%. In summary, the available evidence is currently insufficient to determine the role of this variant in disease. Therefore, it has been classified as a Variant of Uncertain Significance.